The following is an entry in ClinVar:

NM_002900.3(RBP3):c.2330C>T (p.Ala777Val)

Gene: RBP3 (retinol binding protein 3; plus strand). Cytogenetic location: 10q11.22.
Variant type: single nucleotide variant.
Coding change: c.2330C>T on transcript NM_002900.3 (MANE Select); coding-DNA position 2330, C replaced by T.
Protein change: p.Ala777Val; replaces alanine 777 with valine.
Molecular consequence: missense variant.
Genome position (GRCh38, 1-based): chr10:47,350,814, C>T. VCF-style: chr10-47350814-C-T. GRCh37 (hg19) VCF-style: chr10-48388548-G-A.
Other names: short protein forms A777V.
Identifiers: ClinVar variation 964210 (VCV000964210.8), dbSNP rs145437524, ClinGen allele CA5487307.

ClinVar aggregate classification (germline): Uncertain significance. Review status: criteria provided, multiple submitters, no conflicts (2 of 4 stars). 3 submissions from 3 submitters: Uncertain significance (3). Last evaluated 2024-08-08.

Conditions:
Inborn genetic diseases. Identifiers: MedGen C0950123, MeSH D030342.

Allele frequency attached by ClinVar (database versions not stated): ExAC 0.00011; TOPMed 0.00013; ESP Exome Variant Server 0.00015; 1000 Genomes Project 30x 0.00016; gnomAD exomes 0.00017 and 0.00020; gnomAD 0.00018 and 0.00019; 1000 Genomes Project 0.00020.
gnomAD v4.1: 330 of 1,613,046 alleles (0.02%); highest among the groups gnomAD compares: Admixed American, 0.028%; no homozygotes.

Submissions (3):

Blueprint Genetics
Classification: Uncertain significance. Last evaluated: 2024-08-08. Review status: criteria provided, single submitter. Criteria: ACMG Guidelines, 2015. Collection method: clinical testing. Allele origin: germline.

Ambry Genetics
Classification: Uncertain significance for Inborn genetic diseases. Last evaluated: 2024-03-01. Review status: criteria provided, single submitter. Criteria: Ambry Variant Classification Scheme 2023. Collection method: clinical testing. Allele origin: germline.

Labcorp Genetics (formerly Invitae), Labcorp
Classification: Uncertain significance. Last evaluated: 2022-08-31. Review status: criteria provided, single submitter. Criteria: Invitae Variant Classification Sherloc (09022015). Collection method: clinical testing. Allele origin: germline.
Comment: This sequence change replaces alanine, which is neutral and non-polar, with valine, which is neutral and non-polar, at codon 777 of the RBP3 protein (p.Ala777Val). This variant is present in population databases (rs145437524, gnomAD 0.03%). This variant has not been reported in the literature in individuals affected with RBP3-related conditions. ClinVar contains an entry for this variant (Variation ID: 964210). Algorithms developed to predict the effect of missense changes on protein structure and function are either unavailable or do not agree on the potential impact of this missense change (SIFT: "Deleterious"; PolyPhen-2: "Possibly Damaging"; Align-GVGD: "Class C0"). In summary, the available evidence is currently insufficient to determine the role of this variant in disease. Therefore, it has been classified as a Variant of Uncertain Significance.